The following is an entry in ClinVar:

NM_024989.4(PGAP1):c.1618C>T (p.Gln540Ter)

Gene: PGAP1 (post-GPI attachment to proteins inositol deacylase 1; minus strand). Cytogenetic location: 2q33.1.
Variant type: single nucleotide variant.
Coding change: c.1618C>T on transcript NM_024989.4 (MANE Select); coding-DNA position 1618, C replaced by T.
Protein change: p.Gln540Ter; replaces glutamine 540 with a stop codon.
Molecular consequence: nonsense.
Genome position (GRCh38, 1-based): chr2:196,872,961, G>A on the plus strand (C>T on the coding strand, the complement: PGAP1 is on the minus strand). VCF-style: chr2-196872961-G-A. GRCh37 (hg19) VCF-style: chr2-197737685-G-A.
Other names: c.1096C>T, p.Gln366Ter (NM_001321099.2); c.451C>T, p.Gln151Ter (NM_001321100.2); short protein forms Q151*, Q366*, Q540*.
Identifiers: ClinVar variation 5043374 (VCV005043374.1).

ClinVar aggregate classification (germline): Pathogenic (1 of 4 stars; one submission).

Conditions:
Intellectual disability, autosomal recessive 42 (NEDDSBA). Also called: GLYCOSYLPHOSPHATIDYLINOSITOL BIOSYNTHESIS DEFECT 9; Neurodevelopmental disorder with dysmorphic features, spasticity, and brain abnormalities. Identifiers: Orphanet 88616, MedGen C4014343, MONDO:0014348, OMIM 615802.

Submission:

Department of Human Genetics, Hannover Medical School
Classification: Pathogenic for Intellectual disability, autosomal recessive 42. Last evaluated: 2026-11-18. Review status: criteria provided, single submitter. Criteria: ACMG Guidelines, 2015. Collection method: clinical testing. Allele origin: germline. Inheritance: Autosomal recessive inheritance. Affected: yes.
Comment: PVS1, PM2_Supporting, PM3_Supporting